The following is an entry in ClinVar:

ClinVar aggregate classification (germline): Likely pathogenic (1 of 4 stars; one submission).

Conditions:
Catecholaminergic polymorphic ventricular tachycardia 1. Also called: VENTRICULAR TACHYCARDIA, CATECHOLAMINERGIC POLYMORPHIC, 1, WITH OR WITHOUT ATRIAL DYSFUNCTION AND/OR DILATED CARDIOMYOPATHY; RYR2-Related Catecholaminergic Polymorphic Ventricular Tachycardia; VENTRICULAR TACHYCARDIA, STRESS-INDUCED POLYMORPHIC 1. Identifiers: Orphanet 3286, MedGen C1631597, MONDO:0011484, OMIM 604772.

Submission:

Labcorp Genetics (formerly Invitae), Labcorp
Classification: Likely pathogenic for Catecholaminergic polymorphic ventricular tachycardia 1. Last evaluated: 2024-02-23. Review status: criteria provided, single submitter. Criteria: Invitae Variant Classification Sherloc (09022015). Collection method: clinical testing. Allele origin: germline.
Comment: This sequence change replaces glutamine, which is neutral and polar, with arginine, which is basic and polar, at codon 3774 of the RYR2 protein (p.Gln3774Arg). This variant is not present in population databases (gnomAD no frequency). This missense change has been observed in individual(s) with RYR2-related conditions (PMID: 29032884). ClinVar contains an entry for this variant (Variation ID: 1496297). Advanced modeling of protein sequence and biophysical properties (such as structural, functional, and spatial information, amino acid conservation, physicochemical variation, residue mobility, and thermodynamic stability) performed at Invitae indicates that this missense variant is expected to disrupt RYR2 protein function with a positive predictive value of 95%. In summary, the currently available evidence indicates that the variant is pathogenic, but additional data are needed to prove that conclusively. Therefore, this variant has been classified as Likely Pathogenic.

Literature cited by the submitters: PubMed 29032884.

NM_001035.3(RYR2):c.11321A>G (p.Gln3774Arg)

Gene: RYR2 (ryanodine receptor 2; plus strand). Cytogenetic location: 1q43.
Variant type: single nucleotide variant.
Coding change: c.11321A>G on transcript NM_001035.3 (MANE Select); coding-DNA position 11321, A replaced by G.
Protein change: p.Gln3774Arg; replaces glutamine 3774 with arginine.
Molecular consequence: missense variant.
Genome position (GRCh38, 1-based): chr1:237,757,772, A>G. VCF-style: chr1-237757772-A-G. GRCh37 (hg19) VCF-style: chr1-237921072-A-G.
Other names: short protein forms Q3774R.
Identifiers: ClinVar variation 1496297 (VCV001496297.9), dbSNP rs2149266454, ClinGen allele CA345427798.
Genomic context (GRCh38, chr1:237,757,772, plus strand): 5'-TGGTAGCAGCTACTCTGAAACTTGGAATTGCTATTTTAAATGGTGGGAACTCCACAGTAC[A>G]GCAGGTAACAGCTTCCAGTCATTCATATAATGTACTTTTCAGACAAATGGACCATATAGT-3'
Protein context (NP_001026.2, residues 3764-3784): AILNGGNSTV[Gln3774Arg]QKMLDYLKEK